The following is an entry in ClinVar:

NM_001329943.3(KIAA0586):c.2634+5C>G

Gene: KIAA0586 (KIAA0586; plus strand). Cytogenetic location: 14q23.1.
Variant type: single nucleotide variant.
Coding change: c.2634+5C>G on transcript NM_001329943.3 (MANE Select); 5 bases into the intron after coding-DNA position 2634, C replaced by G.
Molecular consequence: intron variant.
Genome position (GRCh38, 1-based): chr14:58,472,284, C>G. VCF-style: chr14-58472284-C-G. GRCh37 (hg19) VCF-style: chr14-58939002-C-G.
Other names: c.2793+5C>G (NM_001244189.2); c.2589+5C>G (NM_001244190.2); c.2502+5C>G (NM_001244192.2); c.2379+5C>G (NM_001244191.2, NM_001364701.2, NM_001329945.2 and 1 more transcripts); c.2634+5C>G (NM_001329944.2, NM_001329946.2, NM_001329947.2); c.2406+5C>G (NM_014749.5); c.2214+5C>G (NM_001244193.2).
Identifiers: ClinVar variation 2125062 (VCV002125062.4), dbSNP rs1331474330, ClinGen allele CA707230809.
Genomic context (GRCh38, chr14:58,472,284, plus strand): 5'-AAGAAGAGGTGAAGTTTCCAGGAACTAACTTTGATGAAATAATCGATGTCATACAGGTAA[C>G]AAAGCTTAGAAACCATGAGAAATTATTTTTCTACCGGTATTTTTCCAGGTTGTTGACTAT-3'

ClinVar aggregate classification (germline): Uncertain significance (1 of 4 stars; one submission).

Conditions:
Joubert syndrome 23 (JBTS23). Identifiers: Orphanet 475, MedGen C4084822, MONDO:0014664, OMIM 616490.
Short-rib thoracic dysplasia 14 with polydactyly (SRTD14). Identifiers: Orphanet 397715, MedGen C4225286, MONDO:0014688, OMIM 616546.

Submission:

Labcorp Genetics (formerly Invitae), Labcorp
Classification: Uncertain significance for Joubert syndrome 23; Short-rib thoracic dysplasia 14 with polydactyly. Last evaluated: 2022-04-12. Review status: criteria provided, single submitter. Criteria: Invitae Variant Classification Sherloc (09022015). Collection method: clinical testing. Allele origin: germline.
Comment: This variant is not present in population databases (gnomAD no frequency). In summary, the available evidence is currently insufficient to determine the role of this variant in disease. Therefore, it has been classified as a Variant of Uncertain Significance. Variants that disrupt the consensus splice site are a relatively common cause of aberrant splicing (PMID: 17576681, 9536098). Algorithms developed to predict the effect of sequence changes on RNA splicing suggest that this variant is not likely to affect RNA splicing. This variant has not been reported in the literature in individuals affected with KIAA0586-related conditions. This sequence change falls in intron 20 of the KIAA0586 gene. It does not directly change the encoded amino acid sequence of the KIAA0586 protein. It affects a nucleotide within the consensus splice site.

Literature cited by the submitters: PubMed 17576681; PubMed 9536098.